The following is an entry in ClinVar:

NM_005751.5(AKAP9):c.4825_4826delinsCA (p.Arg1609Gln)

Gene: AKAP9 (A-kinase anchoring protein 9; plus strand). Cytogenetic location: 7q21.2.
Variant type: Indel.
Coding change: c.4825_4826delinsCA on transcript NM_005751.5 (MANE Select); coding-DNA positions 4825 to 4826, AG replaced by CA.
Protein change: p.Arg1609Gln; replaces arginine 1609 with glutamine.
Molecular consequence: missense variant.
Genome position (GRCh38, 1-based): chr7:92,040,806-92,040,807, AG replaced by CA. VCF-style: chr7-92040806-AG-CA. GRCh37 (hg19) VCF-style: chr7-91670120-AG-CA.
Other names: c.4825_4826delAGinsCA (NM_005751.4); c.4825_4826delinsCA, p.Arg1609Gln (NM_147185.3); short protein forms R1609Q.
Identifiers: ClinVar variation 190484 (VCV000190484.16), dbSNP rs786205707, ClinGen allele CA300605.

ClinVar aggregate classification (germline): Conflicting classifications of pathogenicity. Review status: criteria provided, conflicting classifications (1 of 4 stars). 4 submissions from 4 submitters: Uncertain significance (1); Benign (1); Likely benign (2). Last evaluated 2025-12-24.

Conditions:
Cardiovascular phenotype. Identifiers: MedGen CN230736.
Long QT syndrome (LQTS). Identifiers: MedGen C0023976, MeSH D008133, MONDO:0002442. Disease mechanism: loss of function. Inheritance: Various modes of inheritance.

Submissions (4):

Labcorp Genetics (formerly Invitae), Labcorp
Classification: Likely benign for Long QT syndrome. Last evaluated: 2025-12-24. Review status: criteria provided, single submitter. Criteria: Invitae Variant Classification Sherloc (09022015). Collection method: clinical testing. Allele origin: germline.

Women's Health and Genetics/Laboratory Corporation of America, LabCorp
Classification: Likely benign. Last evaluated: 2024-10-28. Review status: criteria provided, single submitter. Criteria: LabCorp Variant Classification Summary - May 2015. Collection method: clinical testing. Allele origin: germline.
Comment: Variant summary: AKAP9 c.4825_4826delinsCA (p.Arg1609Gln) results in a conservative amino acid change in the encoded protein sequence. Four of four in-silico tools predict a benign effect of the variant on protein function. The allele frequency of this variant could not be determined from population databases such as gnomAD as it is a multinucleotide variant consisting of 7-91670120-A-C (c.4825A>C; p.Arg1609Arg) and 7-91670121-G-A (c.4826G>A; p.Arg1609Lys). The individual variants have variable frequencies and the exact number of alleles representing a combination of the two in cis is unknown. However, based on the frequency of the least prevalent allele, namely c.4826G>A, it can be estimated that the multinucleotide variant can be found at a frequency of 0.00027 in 1614004 control chromosomes, predominantly at a frequency of 0.0018 within the Latino subpopulation in the gnomAD database. The observed variant frequency within Latino control individuals in the gnomAD database is approximately 540-fold of the estimated maximal expected allele frequency for a pathogenic variant in AKAP9 causing Long QT Syndrome phenotype (3.3e-06). c.4825_4826delinsCA has been reported in the literature in at least an individual affected with AKAP9-related conditions (example: Martinez-Matila_2019). This report however, does not provide unequivocal conclusions about association of the variant with Long QT Syndrome. To our knowledge, no experimental evidence demonstrating an impact on protein function has been reported. The following publication has been ascertained in the context of this evaluation (PMID: 31376648). ClinVar contains an entry for this variant (Variation ID: 190484). Based on the evidence outlined above, the variant was classified as likely benign.

Ambry Genetics
Classification: Benign for Cardiovascular phenotype. Last evaluated: 2022-06-07. Review status: criteria provided, single submitter. Criteria: Ambry Variant Classification Scheme 2023. Collection method: clinical testing. Allele origin: germline.

Molecular Diagnostic Laboratory for Inherited Cardiovascular Disease, Montreal Heart Institute
Classification: Uncertain significance. Last evaluated: 2019-12-31. Review status: criteria provided, single submitter. Criteria: ACMG Guidelines, 2015. Collection method: clinical testing. Allele origin: germline. Affected: yes.

Literature cited by the submitters: PubMed 31376648 (cited by Women's Health and Genetics/Laboratory Corporation of America, LabCorp).